The following is an entry in ClinVar:

ClinVar aggregate classification (germline): Uncertain significance (1 of 4 stars; one submission).

Allele frequency attached by ClinVar (database versions not stated): gnomAD exomes below 0.00001; gnomAD 0.00001; TOPMed 0.00004.
gnomAD v4.1: 4 of 1,209,080 alleles (0.00033%); highest among the groups gnomAD compares: African/African-American, 0.007%; no homozygotes.

Submission:

Labcorp Genetics (formerly Invitae), Labcorp
Classification: Uncertain significance. Last evaluated: 2023-09-30. Review status: criteria provided, single submitter. Criteria: Invitae Variant Classification Sherloc (09022015). Collection method: clinical testing. Allele origin: germline.
Comment: In summary, the available evidence is currently insufficient to determine the role of this variant in disease. Therefore, it has been classified as a Variant of Uncertain Significance. An algorithm developed to predict the effect of missense changes on protein structure and function (PolyPhen-2) suggests that this variant is likely to be tolerated. This variant has not been reported in the literature in individuals affected with CLCN5-related conditions. This variant is not present in population databases (gnomAD no frequency). This sequence change replaces lysine, which is basic and polar, with arginine, which is basic and polar, at codon 411 of the CLCN5 protein (p.Lys411Arg).

NM_001127898.4(CLCN5):c.1442A>G (p.Lys481Arg)

Gene: CLCN5 (chloride voltage-gated channel 5; plus strand). Cytogenetic location: Xp11.23.
Variant type: single nucleotide variant.
Coding change: c.1442A>G on transcript NM_001127898.4 (MANE Select); coding-DNA position 1442, A replaced by G.
Protein change: p.Lys481Arg; replaces lysine 481 with arginine.
Molecular consequence: missense variant.
Genome position (GRCh38, 1-based): chrX:50,086,755, A>G. VCF-style: chrX-50086755-A-G. GRCh37 (hg19) VCF-style: chrX-49851412-A-G.
Other names: c.1232A>G, p.Lys411Arg (NM_000084.5); c.1442A>G, p.Lys481Arg (NM_001127899.4); c.1292A>G, p.Lys431Arg (NM_001282163.2); short protein forms K481R, K411R, K431R.
Identifiers: ClinVar variation 2967203 (VCV002967203.3), dbSNP rs1325053432, ClinGen allele CA413186193.
Genomic context (GRCh38, chrX:50,086,755, plus strand): 5'-ACTGTGGCCTTCTGGACTCCTCCAAGCTCTGTGATTATGAGAACCGTTTCAACACAAGCA[A>G]AGGGGGTGAACTGCCTGACAGACCGGCTGGCGTGGGAGTCTACAGTGCAATGTGGCAGCT-3'
Protein context (NP_001121370.1, residues 471-491): CDYENRFNTS[Lys481Arg]GGELPDRPAG